The following is an entry in ClinVar:

NM_004415.4(DSP):c.3981C>T (p.Ile1327=)

Gene: DSP (desmoplakin; plus strand). Cytogenetic location: 6p24.3.
Variant type: single nucleotide variant.
Coding change: c.3981C>T on transcript NM_004415.4 (MANE Select); coding-DNA position 3981, C replaced by T.
Protein change: p.Ile1327=; no amino-acid change (isoleucine 1327 retained).
Molecular consequence: synonymous variant. On other transcripts: intron variant (1).
Genome position (GRCh38, 1-based): chr6:7,580,171, C>T. VCF-style: chr6-7580171-C-T. GRCh37 (hg19) VCF-style: chr6-7580404-C-T.
Other names: c.3981C>T, p.Ile1327= (NM_001319034.2); c.3582+399C>T (NM_001008844.3); c.3981C>T (NM_004415.3).
Identifiers: ClinVar variation 44898 (VCV000044898.30), dbSNP rs397516934, ClinGen allele CA004334.

ClinVar aggregate classification (germline): Likely benign. Review status: criteria provided, multiple submitters, no conflicts (2 of 4 stars). 10 submissions from 10 submitters: Likely benign (9). 1 of the submissions does not count toward it. Last evaluated 2025-12-14.

Conditions:
DSP-related disorder. Also called: DSP-related condition; DSP-related disorders.
Cardiovascular phenotype. Identifiers: MedGen CN230736.
Cardiomyopathy (CMYO). Also called: Cardiomyopathies. Identifiers: Orphanet 167848, MedGen C0878544, MONDO:0004994, HP:0001638. Inheritance: Various modes of inheritance.
Arrhythmogenic right ventricular dysplasia 8 (ARVD8). Also called: ARRHYTHMOGENIC RIGHT VENTRICULAR DYSPLASIA, FAMILIAL, 8; ARRHYTHMOGENIC RIGHT VENTRICULAR CARDIOMYOPATHY 8; Arrhythmogenic Right Ventricular Dysplasia/Cardiomyopathy 8. Identifiers: MedGen C1843896, MONDO:0011831, OMIM 607450.
Arrhythmogenic cardiomyopathy with wooly hair and keratoderma. Also called: Dilated cardiomyopathy with woolly hair and keratoderma; Arrhythmogenic cardiomyopathy with woolly hair and keratoderma; PALMOPLANTAR KERATODERMA WITH LEFT VENTRICULAR CARDIOMYOPATHY AND WOOLLY HAIR; Carvajal syndrome. Identifiers: Orphanet 65282, MedGen C1854063, MONDO:0011581, OMIM 605676.

Allele frequency attached by ClinVar (database versions not stated): ExAC 0.00006; TOPMed 0.00007; gnomAD exomes 0.00009.
gnomAD v4.1: 122 of 1,613,796 alleles (0.0076%); highest among the groups gnomAD compares: Non-Finnish European, 0.0089%; no homozygotes.

Submissions (10):

Labcorp Genetics (formerly Invitae), Labcorp
Classification: Likely benign for Arrhythmogenic cardiomyopathy with wooly hair and keratoderma; Arrhythmogenic right ventricular dysplasia 8. Last evaluated: 2025-12-14. Review status: criteria provided, single submitter. Criteria: Invitae Variant Classification Sherloc (09022015). Collection method: clinical testing. Allele origin: germline.

Molecular Diagnostic Laboratory for Inherited Cardiovascular Disease, Montreal Heart Institute
Classification: Likely benign. Last evaluated: 2025-02-17. Review status: criteria provided, single submitter. Criteria: ACMG Guidelines, 2015. Collection method: clinical testing. Allele origin: germline. Affected: no.

Blueprint Genetics
Classification: Likely benign. Last evaluated: 2024-09-25. Review status: criteria provided, single submitter. Criteria: ACMG Guidelines, 2015. Collection method: clinical testing. Allele origin: germline.

CHEO Genetics Diagnostic Laboratory, Children's Hospital of Eastern Ontario
Classification: Likely benign for Cardiomyopathy. Last evaluated: 2023-02-21. Review status: criteria provided, single submitter. Criteria: ACMG Guidelines, 2015. Collection method: clinical testing. Allele origin: germline.

GeneDx
Classification: Likely benign. Last evaluated: 2021-02-26. Review status: criteria provided, single submitter. Criteria: GeneDx Variant Classification Process June 2021. Collection method: clinical testing. Allele origin: germline. Affected: yes.

Ambry Genetics
Classification: Likely benign for Cardiovascular phenotype. Last evaluated: 2019-06-06. Review status: criteria provided, single submitter. Criteria: Ambry Variant Classification Scheme 2023. Collection method: clinical testing. Allele origin: germline.

Color Diagnostics, LLC DBA Color Health
Classification: Likely benign for Cardiomyopathy. Last evaluated: 2018-12-21. Review status: criteria provided, single submitter. Criteria: ACMG Guidelines, 2015. Collection method: clinical testing. Allele origin: germline.

ARUP Laboratories, Molecular Genetics and Genomics, ARUP Laboratories
Classification: Likely benign. Last evaluated: 2017-05-31. Review status: criteria provided, single submitter. Criteria: ARUP Molecular Germline Variant Investigation Process. Collection method: clinical testing. Allele origin: germline.
Comment: The c.3981C>T; p.Ile1327Ile variant (rs397516934, ClinVar variant ID 44898) does not alter the amino acid sequence of the DSP protein and computational splice site prediction algorithms do not predict a change in the nearest splice site or creation of a cryptic splice site. This variant has not been reported in association with cardiomyopathy in medical literature or in gene specific variation databases. This variant is listed in the genome Aggregation Database (gnomAD) with an overall population frequency of 0.009% (identified on 24 out of 276,534 chromosomes). Based on the available information, the c.3981C>T variant is likely to be benign.

Laboratory for Molecular Medicine, Mass General Brigham Personalized Medicine
Classification: Likely benign. Last evaluated: 2012-04-19. Review status: criteria provided, single submitter. Criteria: LMM Criteria. Collection method: clinical testing. Allele origin: germline. Observed: 2 variant alleles.
Comment: The Ile1327Ile variant in exon 23 of DSP: This variant is not expected to have c linical significance because it does not alter an amino acid residue and is not located within the splice consensus sequence. The Ile1327Ile variant in exon 23 of DSP (allele frequency = n/a)

PreventionGenetics, part of Exact Sciences
Classification: Likely benign for DSP-related condition. Last evaluated: 2023-06-20. Review status: no assertion criteria provided. Collection method: clinical testing. Allele origin: germline. Not counted in ClinVar's aggregate classification.
Comment: This variant is classified as likely benign based on ACMG/AMP sequence variant interpretation guidelines (Richards et al. 2015 PMID: 25741868, with internal and published modifications).